The following is an entry in ClinVar:

ClinVar aggregate classification (germline): Pathogenic (1 of 4 stars; one submission).

Conditions:
Immunodeficiency 35 (IMD35). Also called: HIES WITH ATYPICAL MYCOBACTERIOSIS, AUTOSOMAL RECESSIVE; HYPER-IgE SYNDROME WITH ATYPICAL MYCOBACTERIOSIS, AUTOSOMAL RECESSIVE; TYK2 DEFICIENCY; Susceptibility to infection due to TYK2 deficiency. Identifiers: Orphanet 331226, MedGen C1969086, MONDO:0012682, OMIM 611521.

Submission:

Labcorp Genetics (formerly Invitae), Labcorp
Classification: Pathogenic for Immunodeficiency 35. Last evaluated: 2023-12-21. Review status: criteria provided, single submitter. Criteria: Invitae Variant Classification Sherloc (09022015). Collection method: clinical testing. Allele origin: germline.
Comment: This sequence change creates a premature translational stop signal (p.Gln830*) in the TYK2 gene. It is expected to result in an absent or disrupted protein product. Loss-of-function variants in TYK2 are known to be pathogenic (PMID: 22402565, 26304966). This variant is not present in population databases (gnomAD no frequency). This variant has not been reported in the literature in individuals affected with TYK2-related conditions. For these reasons, this variant has been classified as Pathogenic.

Literature cited by the submitters: PubMed 22402565; PubMed 26304966.

NM_003331.5(TYK2):c.2488C>T (p.Gln830Ter)

Gene: TYK2 (tyrosine kinase 2; minus strand). Cytogenetic location: 19p13.2.
Variant type: single nucleotide variant.
Coding change: c.2488C>T on transcript NM_003331.5 (MANE Select); coding-DNA position 2488, C replaced by T.
Protein change: p.Gln830Ter; replaces glutamine 830 with a stop codon.
Molecular consequence: nonsense.
Genome position (GRCh38, 1-based): chr19:10,356,697, G>A on the plus strand (C>T on the coding strand, the complement: TYK2 is on the minus strand). VCF-style: chr19-10356697-G-A. GRCh37 (hg19) VCF-style: chr19-10467373-G-A.
Other names: c.2488C>T, p.Gln830Ter (NM_001385197.1, NM_001385198.1, NM_001385203.1 and 1 more transcripts); c.2302C>T, p.Gln768Ter (NM_001385199.1); c.2485C>T, p.Gln829Ter (NM_001385200.1); c.2290C>T, p.Gln764Ter (NM_001385201.1); c.2404C>T, p.Gln802Ter (NM_001385202.1); c.2698C>T, p.Gln900Ter (NM_001385204.1); c.2398C>T, p.Gln800Ter (NM_001385205.1); c.2362C>T, p.Gln788Ter (NM_001385206.1); and 1 more; short protein forms Q800*, Q829*, Q830*, Q900*, Q764*, Q768*, Q824*, Q788*.
Identifiers: ClinVar variation 2704548 (VCV002704548.3), dbSNP rs2512486811, ClinGen allele CA403992664.
Genomic context (GRCh38, chr19:10,356,697, plus strand): 5'-TCAGACACTGGCTGGTGAGTGTGGCCAGCTGTGGGCAGGAGGGCTCGGGCAGCCGGTGCT[G>A]CCTCTGGTAGAAATGCTCCTTCTGTTGGGAAAGGGACCCAGAGGAGTCAACATCCTCCCC-3'